The following is an entry in ClinVar:

ClinVar aggregate classification (germline): Conflicting classifications of pathogenicity. Review status: criteria provided, conflicting classifications (1 of 4 stars). 3 submissions from 3 submitters: Uncertain significance (1); Likely benign (2). Last evaluated 2025-09-16.

Conditions:
Cutis laxa with severe pulmonary, gastrointestinal and urinary anomalies. Also called: URBAN-RIFKIN-DAVIS SYNDROME; Cutis laxa, autosomal recessive, type IC; LTBP4-Related Cutis Laxa. Identifiers: Orphanet 221145, MedGen C2750804, MONDO:0013170, OMIM 613177. Disease mechanism: loss of function.

Allele frequency attached by ClinVar (database versions not stated): gnomAD 0.00001; gnomAD exomes 0.00002 and 0.00003; TOPMed 0.00002; ExAC 0.00005.
gnomAD v4.1: 25 of 1,601,266 alleles (0.0016%); highest among the groups gnomAD compares: Non-Finnish European, 0.002%; no homozygotes.

Submissions (3):

Labcorp Genetics (formerly Invitae), Labcorp
Classification: Likely benign. Last evaluated: 2025-09-16. Review status: criteria provided, single submitter. Criteria: Invitae Variant Classification Sherloc (09022015). Collection method: clinical testing. Allele origin: germline.

Illumina Laboratory Services, Illumina
Classification: Uncertain significance for Cutis laxa with severe pulmonary, gastrointestinal and urinary anomalies. Last evaluated: 2018-01-12. Review status: criteria provided, single submitter. Criteria: ICSL Variant Classification Criteria 13 December 2019. Collection method: clinical testing. Allele origin: germline.

GeneDx
Classification: Likely benign. Last evaluated: 2017-12-01. Review status: criteria provided, single submitter. Criteria: GeneDx Variant Classification (06012015). Collection method: clinical testing. Allele origin: germline. Affected: yes.
Comment: This variant is considered likely benign or benign based on one or more of the following criteria: it is a conservative change, it occurs at a poorly conserved position in the protein, it is predicted to be benign by multiple in silico algorithms, and/or has population frequency not consistent with disease.

NM_001042545.2(LTBP4):c.864C>T (p.Cys288=)

Genes: LTBP4 (latent transforming growth factor beta binding protein 4; plus strand), LOC121627876 (Sharpr-MPRA regulatory region 12022; plus strand). Cytogenetic location: 19q13.2.
Variant type: single nucleotide variant.
Coding change: c.864C>T on transcript NM_001042545.2 (MANE Select); coding-DNA position 864, C replaced by T.
Protein change: p.Cys288=; no amino-acid change (cysteine 288 retained).
Molecular consequence: synonymous variant.
Genome position (GRCh38, 1-based): chr19:40,606,303, C>T. VCF-style: chr19-40606303-C-T. GRCh37 (hg19) VCF-style: chr19-41112209-C-T.
Other names: c.1065C>T, p.Cys355= (NM_001042544.1); c.954C>T, p.Cys318= (NM_003573.2).
Identifiers: ClinVar variation 513771 (VCV000513771.9), dbSNP rs758784148, ClinGen allele CA9448115.
Genomic context (GRCh38, chr19:40,606,303, plus strand): 5'-AAGAGTGAGCGCCCCAGATGGACCTTGTCCAACCGGCTTTGAAAGAGTTAATGGGTCCTG[C>T]GAAGGTGCAACGGGGCAGGGGTGGGAGGGGCTTGGTTCTGGGGGCGGGATTTGCAGGGAT-3'
Protein context (NP_001036010.1, residues 278-298): PTGFERVNGS[Cys288=]EDVDECATGG